The following is an entry in ClinVar:

ClinVar aggregate classification (germline): Conflicting classifications of pathogenicity. Review status: criteria provided, conflicting classifications (1 of 4 stars). 3 submissions from 3 submitters: Uncertain significance (1); Likely benign (1). 1 of the submissions does not count toward it. Last evaluated 2025-10-22.

Conditions:
AGMO-related disorder. Also called: AGMO-related condition.

Allele frequency attached by ClinVar (database versions not stated): gnomAD exomes 0.00037 and 0.00012; 1000 Genomes Project 0.00080; 1000 Genomes Project 30x 0.00094; ExAC 0.00045; gnomAD 0.00158 and 0.00170; ESP Exome Variant Server 0.00161; TOPMed 0.00182.
gnomAD v4.1: 424 of 1,612,010 alleles (0.026%); highest among the groups gnomAD compares: African/African-American, 0.52%; 1 homozygote.

Submissions (3):

Ambry Genetics
Classification: Uncertain significance. Last evaluated: 2025-10-22. Review status: criteria provided, single submitter. Criteria: Ambry Variant Classification Scheme 2023. Collection method: clinical testing. Allele origin: germline.

Labcorp Genetics (formerly Invitae), Labcorp
Classification: Likely benign. Last evaluated: 2017-12-14. Review status: criteria provided, single submitter. Criteria: Invitae Variant Classification Sherloc (09022015). Collection method: clinical testing. Allele origin: germline.

PreventionGenetics, part of Exact Sciences
Classification: Likely benign for AGMO-related condition. Last evaluated: 2019-05-02. Review status: no assertion criteria provided. Collection method: clinical testing. Allele origin: germline. Not counted in ClinVar's aggregate classification.
Comment: This variant is classified as likely benign based on ACMG/AMP sequence variant interpretation guidelines (Richards et al. 2015 PMID: 25741868, with internal and published modifications).

NM_001004320.2(AGMO):c.92A>G (p.Gln31Arg)

Gene: AGMO (alkylglycerol monooxygenase; minus strand). Cytogenetic location: 7p21.2.
Variant type: single nucleotide variant.
Coding change: c.92A>G on transcript NM_001004320.2 (MANE Select); coding-DNA position 92, A replaced by G.
Protein change: p.Gln31Arg; replaces glutamine 31 with arginine.
Molecular consequence: missense variant.
Genome position (GRCh38, 1-based): chr7:15,561,754, T>C on the plus strand (A>G on the coding strand, the complement: AGMO is on the minus strand). VCF-style: chr7-15561754-T-C. GRCh37 (hg19) VCF-style: chr7-15601379-T-C.
Other names: short protein forms Q31R.
Identifiers: ClinVar variation 716356 (VCV000716356.6), dbSNP rs143371620, ClinGen allele CA4168929.
Genomic context (GRCh38, chr7:15,561,754, plus strand): 5'-AGTAGCCTCTTCCAATAAAGTCTCACCTTTTTTACATAATCAGGCACCTCTTCTAATGTT[T>C]GGAATGAAGTTTCACTGGGTTTCATCGTGTAAAACAACATGCGAAATCCCTGGGAAACTG-3'
Protein context (NP_001004320.1, residues 21-41): YTMKPSETSF[Gln31Arg]TLEEVPDYVK